The following is an entry in ClinVar:

NM_001101.5(ACTB):c.-7+15C>G

Gene: ACTB (actin beta; minus strand). Cytogenetic location: 7p22.1.
Variant type: single nucleotide variant.
Coding change: c.-7+15C>G on transcript NM_001101.5 (MANE Select); 15 bases into the intron after 7 bases upstream of the start codon, C replaced by G.
Molecular consequence: intron variant.
Genome position (GRCh38, 1-based): chr7:5,530,509, G>C on the plus strand (C>G on the coding strand, the complement: ACTB is on the minus strand). VCF-style: chr7-5530509-G-C. GRCh37 (hg19) VCF-style: chr7-5570140-G-C.
Other names: c.-7+15C>G (LRG_132t1).
Identifiers: ClinVar variation 387270 (VCV000387270.1), dbSNP rs1057522749, ClinGen allele CA16605233.

ClinVar aggregate classification (germline): Likely benign (1 of 4 stars; one submission).

Allele frequency attached by ClinVar (database versions not stated): TOPMed below 0.00001; gnomAD 0.00001.
gnomAD v4.1: 1 of 151,628 alleles (0.00066%); highest among the groups gnomAD compares: East Asian, 0.019%; no homozygotes.

Submission:

GeneDx
Classification: Likely benign. Last evaluated: 2016-06-28. Review status: criteria provided, single submitter. Criteria: GeneDx Variant Classification (06012015). Collection method: clinical testing. Allele origin: germline. Affected: yes.
Comment: This variant is considered likely benign or benign based on one or more of the following criteria: it is a conservative change, it occurs at a poorly conserved position in the protein, it is predicted to be benign by multiple in silico algorithms, and/or has population frequency not consistent with disease.